The following is an entry in ClinVar:

NM_001220.5(CAMK2B):c.1582C>G (p.Pro528Ala)

Gene: CAMK2B (calcium/calmodulin dependent protein kinase II beta; minus strand). Cytogenetic location: 7p13.
Variant type: single nucleotide variant.
Coding change: c.1582C>G on transcript NM_001220.5 (MANE Select); coding-DNA position 1582, C replaced by G.
Protein change: p.Pro528Ala; replaces proline 528 with alanine.
Molecular consequence: missense variant. On other transcripts: intron variant (8).
Genome position (GRCh38, 1-based): chr7:44,226,531, G>C on the plus strand (C>G on the coding strand, the complement: CAMK2B is on the minus strand). VCF-style: chr7-44226531-G-C. GRCh37 (hg19) VCF-style: chr7-44266130-G-C.
Other names: c.947-5630C>G (NM_172084.3); c.1150+4475C>G (NM_172080.3); c.1036+4475C>G (NM_172083.3); c.1108+4475C>G (NM_172081.3); c.1153+4475C>G (NM_172079.3, NM_172082.3); c.1225+4475C>G (NM_001293170.2, NM_172078.3); short protein forms P528A.
Identifiers: ClinVar variation 3002535 (VCV003002535.3), dbSNP rs2485049602, ClinGen allele CA367371394.

ClinVar aggregate classification (germline): Uncertain significance (1 of 4 stars; one submission).

Submission:

Labcorp Genetics (formerly Invitae), Labcorp
Classification: Uncertain significance. Last evaluated: 2023-05-20. Review status: criteria provided, single submitter. Criteria: Invitae Variant Classification Sherloc (09022015). Collection method: clinical testing. Allele origin: germline.
Comment: This sequence change replaces proline, which is neutral and non-polar, with alanine, which is neutral and non-polar, at codon 528 of the CAMK2B protein (p.Pro528Ala). This variant is not present in population databases (gnomAD no frequency). This variant has not been reported in the literature in individuals affected with CAMK2B-related conditions. An algorithm developed to predict the effect of missense changes on protein structure and function (PolyPhen-2) suggests that this variant is likely to be disruptive. In summary, the available evidence is currently insufficient to determine the role of this variant in disease. Therefore, it has been classified as a Variant of Uncertain Significance.